The following is an entry in ClinVar:

NM_138713.4(NFAT5):c.1691-6del

Gene: NFAT5 (nuclear factor of activated T cells 5; plus strand). Cytogenetic location: 16q22.1.
Variant type: Deletion.
Coding change: c.1691-6del on transcript NM_138713.4 (MANE Select); 6 bases into the intron before coding-DNA position 1691, one base deleted (T; older notation c.1691-6delT).
Molecular consequence: intron variant.
Genome position (GRCh38, 1-based): chr16:69,684,881, T deleted; the last of 8 consecutive T bases (chr16:69,684,874-69,684,881); deleting any one gives the same sequence. VCF-style (leftmost placement, unchanged base first): chr16-69684873-CT-C. GRCh37 (hg19) VCF-style: chr16-69718776-CT-C.
Other names: NC_000016.9:g.69718784del; c.1409-6del (NM_138714.4, NM_173214.3, NM_173215.3); c.1691-9del (NM_001113178.3); c.1637-6del (NM_006599.4); c.1019-9del (NM_001367709.1); c.1409-6delT (NM_138714.3).
Identifiers: ClinVar variation 1651292 (VCV001651292.10), dbSNP rs543739817, ClinGen allele CA8135620.

ClinVar aggregate classification (germline): Benign/Likely benign. Review status: criteria provided, multiple submitters, no conflicts (2 of 4 stars). 2 submissions from 2 submitters: Benign (1); Likely benign (1). Last evaluated 2024-12-16.

Conditions:
NFAT5-related disorder. Also called: NFAT5-related condition.
Immunodeficiency. Identifiers: MedGen C0021051, MONDO:0021094, HP:0002721.

Submissions (3):

Labcorp Genetics (formerly Invitae), Labcorp
Classification: Benign for Immunodeficiency. Last evaluated: 2024-12-16. Review status: criteria provided, single submitter. Criteria: Invitae Variant Classification Sherloc (09022015). Collection method: clinical testing. Allele origin: germline.

PreventionGenetics, part of Exact Sciences
Classification: Likely benign for NFAT5-related condition. Last evaluated: 2024-12-10. Review status: criteria provided, single submitter. Criteria: ACMG Guidelines, 2015. Collection method: clinical testing. Allele origin: germline.
Comment: This variant is classified as likely benign based on ACMG/AMP sequence variant interpretation guidelines (Richards et al. 2015 PMID: 25741868, with internal and published modifications).

Dr. Peter K. Rogan Lab, Western University
No classification provided (evidence only). Condition: Nonpapillary renal cell carcinoma. Review status: no classification provided. Collection method: in vitro. Allele origin: not applicable. Functional consequence: retained intron. Not counted in ClinVar's aggregate classification.